The following is an entry in ClinVar:

ClinVar aggregate classification (germline): Uncertain significance (1 of 4 stars; one submission).

Submission:

Labcorp Genetics (formerly Invitae), Labcorp
Classification: Uncertain significance. Last evaluated: 2022-05-16. Review status: criteria provided, single submitter. Criteria: Invitae Variant Classification Sherloc (09022015). Collection method: clinical testing. Allele origin: germline.
Comment: In summary, the available evidence is currently insufficient to determine the role of this variant in disease. Therefore, it has been classified as a Variant of Uncertain Significance. Algorithms developed to predict the effect of missense changes on protein structure and function are either unavailable or do not agree on the potential impact of this missense change (SIFT: "Deleterious"; PolyPhen-2: "Benign"; Align-GVGD: "Class C0"). This variant has not been reported in the literature in individuals affected with C6-related conditions. This variant is not present in population databases (gnomAD no frequency). This sequence change replaces leucine, which is neutral and non-polar, with proline, which is neutral and non-polar, at codon 261 of the C6 protein (p.Leu261Pro).

NM_000065.5(C6):c.782T>C (p.Leu261Pro)

Gene: C6 (complement C6; minus strand). Cytogenetic location: 5p13.1.
Variant type: single nucleotide variant.
Coding change: c.782T>C on transcript NM_000065.5 (MANE Select); coding-DNA position 782, T replaced by C.
Protein change: p.Leu261Pro; replaces leucine 261 with proline.
Molecular consequence: missense variant.
Genome position (GRCh38, 1-based): chr5:41,181,504, A>G on the plus strand (T>C on the coding strand, the complement: C6 is on the minus strand). VCF-style: chr5-41181504-A-G. GRCh37 (hg19) VCF-style: chr5-41181606-A-G.
Other names: c.782T>C, p.Leu261Pro (NM_001115131.4); short protein forms L261P.
Identifiers: ClinVar variation 1946805 (VCV001946805.5), dbSNP rs1477456575, ClinGen allele CA359602079.